The following is an entry in ClinVar:

NM_001127511.3(APC):c.-162del

Gene: APC (APC regulator of Wnt signaling pathway; plus strand). Cytogenetic location: 5q22.2.
Variant type: Deletion.
Coding change: c.-162del on transcript NM_001127511.3; 162 bases upstream of the start codon, one base deleted (G; older notation c.-162delG).
Molecular consequence: 5 prime UTR variant. On other transcripts: non-coding transcript variant (2).
Genome position (GRCh38, 1-based): chr5:112,707,556, G deleted; the last of 4 consecutive G bases (chr5:112,707,553-112,707,556); deleting any one gives the same sequence. VCF-style (leftmost placement, unchanged base first): chr5-112707552-CG-C. GRCh37 (hg19) VCF-style: chr5-112043249-CG-C.
Other names: c.-345del (NM_001354895.2, NM_001407447.1, NM_001407452.1 and 3 more transcripts); c.-162del (NM_001354897.2, NM_001354902.2, NM_001407446.1); c.-112del (NM_001407448.1, NM_001407450.1, NM_001407457.1 and 1 more transcripts); c.-136del (NM_001407453.1); c.-1380del (NM_001407470.1, NM_001407472.1).
Identifiers: ClinVar variation 2757606 (VCV002757606.3), dbSNP rs2531735134, ClinGen allele CA2674863518.

ClinVar aggregate classification (germline): Uncertain significance (1 of 4 stars; one submission).

Conditions:
Familial adenomatous polyposis 1 (FAP1). Also called: FAMILIAL ADENOMATOUS POLYPOSIS 1, ATTENUATED; POLYPOSIS, ADENOMATOUS INTESTINAL. Identifiers: MedGen C2713442, MONDO:0021056, OMIM 175100. Disease mechanism: loss of function.

Submission:

Labcorp Genetics (formerly Invitae), Labcorp
Classification: Uncertain significance for Familial adenomatous polyposis 1. Last evaluated: 2023-09-03. Review status: criteria provided, single submitter. Criteria: Invitae Variant Classification Sherloc (09022015). Collection method: clinical testing. Allele origin: germline.
Comment: In summary, the available evidence is currently insufficient to determine the role of this variant in disease. Therefore, it has been classified as a Variant of Uncertain Significance. Experimental studies and prediction algorithms are not available or were not evaluated, and the functional significance of this variant is currently unknown. This variant has not been reported in the literature in individuals affected with APC-related conditions. This variant is not present in population databases (gnomAD no frequency). This variant occurs in a non-coding region of the APC gene. It does not change the encoded amino acid sequence of the APC protein.